The following is an entry in ClinVar:

ClinVar aggregate classification (germline): Likely benign. Review status: criteria provided, multiple submitters, no conflicts (2 of 4 stars). 6 submissions from 6 submitters: Likely benign (6). Last evaluated 2026-01-26.

Conditions:
Spermatogenic failure 28. Identifiers: MedGen C4748117, MONDO:0054732, OMIM 618086.
Premature ovarian failure 15. Identifiers: MedGen C4748170, MONDO:0054862, OMIM 618096.
Inborn genetic diseases. Identifiers: MedGen C0950123, MeSH D030342.
Fanconi anemia (FA). Also called: Fanconi's anemia. Identifiers: Orphanet 84, MedGen C0015625, MeSH D005199, MONDO:0019391.

Allele frequency attached by ClinVar (database versions not stated): gnomAD exomes 0.00002 and 0.00004; ExAC 0.00007; TOPMed 0.00014; ESP Exome Variant Server 0.00015; gnomAD 0.00019 and 0.00020; 1000 Genomes Project 30x 0.00047; 1000 Genomes Project 0.00060.
gnomAD v4.1: 63 of 1,614,012 alleles (0.0039%); highest among the groups gnomAD compares: African/African-American, 0.064%; no homozygotes.

Submissions (6):

Labcorp Genetics (formerly Invitae), Labcorp
Classification: Likely benign for Fanconi anemia. Last evaluated: 2026-01-26. Review status: criteria provided, single submitter. Criteria: Invitae Variant Classification Sherloc (09022015). Collection method: clinical testing. Allele origin: germline.

CeGaT Center for Human Genetics Tuebingen
Classification: Likely benign. Last evaluated: 2025-07-01. Review status: criteria provided, single submitter. Criteria: CeGaT Center For Human Genetics Tuebingen Variant Classification Criteria Version 2. Collection method: clinical testing. Allele origin: germline. Affected: yes. Observed: 1 variant allele.
Comment: FANCM: BP4, BP7

Ambry Genetics
Classification: Likely benign for Inborn genetic diseases. Last evaluated: 2024-11-22. Review status: criteria provided, single submitter. Criteria: Ambry Variant Classification Scheme 2023. Collection method: clinical testing. Allele origin: germline.

Blueprint Genetics
Classification: Likely benign. Last evaluated: 2024-11-06. Review status: criteria provided, single submitter. Criteria: ACMG Guidelines, 2015. Collection method: clinical testing. Allele origin: germline.

Quest Diagnostics Nichols Institute San Juan Capistrano
Classification: Likely benign. Last evaluated: 2023-06-08. Review status: criteria provided, single submitter. Criteria: Quest Diagnostics criteria. Collection method: clinical testing. Allele origin: unknown.

Fulgent Genetics
Classification: Likely benign for Spermatogenic failure 28; Premature ovarian failure 15. Last evaluated: 2021-12-22. Review status: criteria provided, single submitter. Criteria: ACMG Guidelines, 2015. Collection method: clinical testing. Allele origin: unknown.

NM_020937.4(FANCM):c.5205G>A (p.Ser1735=)

Gene: FANCM (FA complementation group M; plus strand). Cytogenetic location: 14q21.2.
Variant type: single nucleotide variant.
Coding change: c.5205G>A on transcript NM_020937.4 (MANE Select); coding-DNA position 5205, G replaced by A.
Protein change: p.Ser1735=; no amino-acid change (serine 1735 retained).
Molecular consequence: synonymous variant.
Genome position (GRCh38, 1-based): chr14:45,189,227, G>A. VCF-style: chr14-45189227-G-A. GRCh37 (hg19) VCF-style: chr14-45658430-G-A.
Other names: c.5205G>A (NM_020937.2, NM_020937.3); c.5127G>A, p.Ser1709= (NM_001308133.2).
Identifiers: ClinVar variation 1123201 (VCV001123201.21), dbSNP rs138090463, ClinGen allele CA7169930.